The following is an entry in ClinVar:

NM_001292063.2(OTOG):c.8477G>A (p.Arg2826His)

Gene: OTOG (otogelin; plus strand). Cytogenetic location: 11p15.1.
Variant type: single nucleotide variant.
Coding change: c.8477G>A on transcript NM_001292063.2 (MANE Select); coding-DNA position 8477, G replaced by A.
Protein change: p.Arg2826His; replaces arginine 2826 with histidine.
Molecular consequence: missense variant.
Genome position (GRCh38, 1-based): chr11:17,645,579, G>A. VCF-style: chr11-17645579-G-A. GRCh37 (hg19) VCF-style: chr11-17667126-G-A.
Other names: c.8513G>A, p.Arg2838His (NM_001277269.2); short protein forms R2826H, R2838H.
Identifiers: ClinVar variation 1194189 (VCV001194189.8), dbSNP rs544815967, ClinGen allele CA5906302.

ClinVar aggregate classification (germline): Uncertain significance. Review status: criteria provided, multiple submitters, no conflicts (2 of 4 stars). 4 submissions from 4 submitters: Uncertain significance (3). 1 of the submissions does not count toward it. Last evaluated 2025-10-28.

Conditions:
OTOG-related disorder. Also called: OTOG-related condition.

Allele frequency attached by ClinVar (database versions not stated): ExAC 0.00007; 1000 Genomes Project 0.00040; 1000 Genomes Project 30x 0.00047; gnomAD 0.00051 and 0.00056; TOPMed 0.00054.
gnomAD v4.1: 153 of 1,550,608 alleles (0.0099%); highest among the groups gnomAD compares: African/African-American, 0.15%; no homozygotes.

Submissions (4):

GeneDx
Classification: Uncertain significance. Last evaluated: 2025-10-28. Review status: criteria provided, single submitter. Criteria: GeneDx Variant Classification Process June 2021. Collection method: clinical testing. Allele origin: germline. Affected: yes.
Comment: Identified in a patient with hearing loss who harbored an additional variant in the OTOG gene (phase unknown), and a homozygous variant in the TPRN gene in published literature (PMID: 35440622); In silico analysis supports that this missense variant has a deleterious effect on protein structure/function; This variant is associated with the following publications: (PMID: 35440622)

Blueprint Genetics
Classification: Uncertain significance. Last evaluated: 2024-11-04. Review status: criteria provided, single submitter. Criteria: ACMG Guidelines, 2015. Collection method: clinical testing. Allele origin: germline.

Labcorp Genetics (formerly Invitae), Labcorp
Classification: Uncertain significance. Last evaluated: 2022-03-27. Review status: criteria provided, single submitter. Criteria: Invitae Variant Classification Sherloc (09022015). Collection method: clinical testing. Allele origin: germline.
Comment: In summary, the available evidence is currently insufficient to determine the role of this variant in disease. Therefore, it has been classified as a Variant of Uncertain Significance. Algorithms developed to predict the effect of missense changes on protein structure and function are either unavailable or do not agree on the potential impact of this missense change (SIFT: "Deleterious"; PolyPhen-2: "Probably Damaging"; Align-GVGD: "Class C0"). ClinVar contains an entry for this variant (Variation ID: 1194189). This variant has not been reported in the literature in individuals affected with OTOG-related conditions. This variant is present in population databases (rs544815967, gnomAD 0.2%). This sequence change replaces arginine, which is basic and polar, with histidine, which is basic and polar, at codon 2838 of the OTOG protein (p.Arg2838His).

PreventionGenetics, part of Exact Sciences
Classification: Likely benign for OTOG-related condition. Last evaluated: 2024-04-02. Review status: no assertion criteria provided. Collection method: clinical testing. Allele origin: germline. Not counted in ClinVar's aggregate classification.
Comment: This variant is classified as likely benign based on ACMG/AMP sequence variant interpretation guidelines (Richards et al. 2015 PMID: 25741868, with internal and published modifications).